The following is an entry in ClinVar:

NM_004991.4(MECOM):c.535A>G (p.Ile179Val)

Gene: MECOM (MDS1 and EVI1 complex locus; minus strand). Cytogenetic location: 3q26.2.
Variant type: single nucleotide variant.
Coding change: c.535A>G on transcript NM_004991.4 (MANE Select); coding-DNA position 535, A replaced by G.
Protein change: p.Ile179Val; replaces isoleucine 179 with valine.
Molecular consequence: missense variant. On other transcripts: 5 prime UTR variant (12).
Genome position (GRCh38, 1-based): chr3:169,131,507, T>C on the plus strand (A>G on the coding strand, the complement: MECOM is on the minus strand). VCF-style: chr3-169131507-T-C. GRCh37 (hg19) VCF-style: chr3-168849295-T-C.
Other names: c.163A>G, p.Ile55Val (NM_001105077.4); c.-30A>G (NM_001105078.4, NM_001163999.2, NM_001164000.2 and 9 more transcripts); c.535A>G, p.Ile179Val (NM_001366466.2, NM_001366473.2); short protein forms I55V, I179V.
Identifiers: ClinVar variation 3871809 (VCV003871809.1).
Genomic context (GRCh38, chr3:169,131,507, plus strand): 5'-TAGTTTCATGGGGATAGTCTTCGCTCTTCATGAACAGCAGAAGCTCCTCTCCCGGCGCAA[T>C]GTCTGCAACTACTCTATAGAATATCTTTAAAGACAAAATAAAGGTGGATGGAATCAGGAA-3'
Protein context (NP_004982.2, residues 169-189): DQIFYRVVAD[Ile179Val]APGEELLLFM

ClinVar aggregate classification (germline): Uncertain significance (1 of 4 stars; one submission).

Conditions:
Inborn genetic diseases. Identifiers: MedGen C0950123, MeSH D030342.

gnomAD v4.1: 2 of 1,613,628 alleles (0.00012%); highest among the groups gnomAD compares: Non-Finnish European, 0.00017%; no homozygotes.

Submission:

Ambry Genetics
Classification: Uncertain significance for Inborn genetic diseases. Last evaluated: 2025-02-08. Review status: criteria provided, single submitter. Criteria: Ambry Variant Classification Scheme 2023. Collection method: clinical testing. Allele origin: germline.
Comment: The p.I179V variant (also known as c.535A>G), located in coding exon 4 of the MECOM gene, results from an A to G substitution at nucleotide position 535. The isoleucine at codon 179 is replaced by valine, an amino acid with highly similar properties. This amino acid position is conserved. In addition, this alteration is predicted to be tolerated by in silico analysis. Based on the available evidence, the clinical significance of this variant remains unclear.